The following is an entry in ClinVar:

ClinVar aggregate classification (germline): Uncertain significance (1 of 4 stars; one submission).

Conditions:
Amyotrophic lateral sclerosis type 21. Also called: VOCAL CORD AND PHARYNGEAL DYSFUNCTION WITH DISTAL MYOPATHY; MYOPATHY, DISTAL, 2. Identifiers: Orphanet 600, Orphanet 803, MedGen C3807521, MONDO:0011632, OMIM 606070.

Submission:

Labcorp Genetics (formerly Invitae), Labcorp
Classification: Uncertain significance for Amyotrophic lateral sclerosis type 21. Last evaluated: 2022-01-05. Review status: criteria provided, single submitter. Criteria: Invitae Variant Classification Sherloc (09022015). Collection method: clinical testing. Allele origin: germline.
Comment: In summary, the available evidence is currently insufficient to determine the role of this variant in disease. Therefore, it has been classified as a Variant of Uncertain Significance. Algorithms developed to predict the effect of missense changes on protein structure and function are either unavailable or do not agree on the potential impact of this missense change (SIFT: "Tolerated"; PolyPhen-2: "Probably Damaging"; Align-GVGD: "Class C0"). This variant has not been reported in the literature in individuals affected with MATR3-related conditions. This variant is not present in population databases (gnomAD no frequency). This sequence change replaces glutamine, which is neutral and polar, with histidine, which is basic and polar, at codon 448 of the MATR3 protein (p.Gln448His).

NM_018834.6(MATR3):c.1344G>C (p.Gln448His)

Gene: MATR3 (matrin 3; plus strand). Cytogenetic location: 5q31.2.
Variant type: single nucleotide variant.
Coding change: c.1344G>C on transcript NM_018834.6 (MANE Select); coding-DNA position 1344, G replaced by C.
Protein change: p.Gln448His; replaces glutamine 448 with histidine.
Molecular consequence: missense variant.
Genome position (GRCh38, 1-based): chr5:139,318,943, G>C. VCF-style: chr5-139318943-G-C. GRCh37 (hg19) VCF-style: chr5-138654632-G-C.
Other names: c.1344G>C, p.Gln448His (NM_001194954.2, NM_001194955.2, NM_001400441.1 and 16 more transcripts); c.480G>C, p.Gln160His (NM_001194956.2); c.330G>C, p.Gln110His (NM_001282278.2, NM_001400460.1, NM_001400462.1 and 5 more transcripts); c.483G>C, p.Gln161His (NM_001400459.1); c.444G>C, p.Gln148His (NM_001400461.1); short protein forms Q160H, Q448H, Q161H, Q110H, Q148H.
Identifiers: ClinVar variation 2046279 (VCV002046279.4), dbSNP rs2546832245, ClinGen allele CA361140799.